The following is an entry in ClinVar:

NM_025074.7(FRAS1):c.1919G>A (p.Arg640His)

Gene: FRAS1 (Fraser extracellular matrix complex subunit 1; plus strand). Cytogenetic location: 4q21.21.
Variant type: single nucleotide variant.
Coding change: c.1919G>A on transcript NM_025074.7 (MANE Select); coding-DNA position 1919, G replaced by A.
Protein change: p.Arg640His; replaces arginine 640 with histidine.
Molecular consequence: missense variant.
Genome position (GRCh38, 1-based): chr4:78,317,467, G>A. VCF-style: chr4-78317467-G-A. GRCh37 (hg19) VCF-style: chr4-79238621-G-A.
Other names: c.1919G>A, p.Arg640His (NM_001166133.2); short protein forms R640H.
Identifiers: ClinVar variation 4083947 (VCV004083947.8).

ClinVar aggregate classification (germline): Uncertain significance (1 of 4 stars; one submission).

gnomAD v4.1: 74 of 1,613,760 alleles (0.0046%); highest among the groups gnomAD compares: Middle Eastern, 0.083%; no homozygotes.

Submission:

CeGaT Center for Human Genetics Tuebingen
Classification: Uncertain significance. Last evaluated: 2025-07-01. Review status: criteria provided, single submitter. Criteria: CeGaT Center For Human Genetics Tuebingen Variant Classification Criteria Version 2. Collection method: clinical testing. Allele origin: germline. Affected: yes. Observed: 1 variant allele.
Comment: FRAS1: PM2, BP4